The following is an entry in ClinVar:

NM_004706.4(ARHGEF1):c.1900A>G (p.Met634Val)

Gene: ARHGEF1 (Rho guanine nucleotide exchange factor 1; plus strand). Cytogenetic location: 19q13.2.
Variant type: single nucleotide variant.
Coding change: c.1900A>G on transcript NM_004706.4 (MANE Select); coding-DNA position 1900, A replaced by G.
Protein change: p.Met634Val; replaces methionine 634 with valine.
Molecular consequence: missense variant.
Genome position (GRCh38, 1-based): chr19:41,903,767, A>G. VCF-style: chr19-41903767-A-G. GRCh37 (hg19) VCF-style: chr19-42407919-A-G.
Other names: c.1801A>G, p.Met601Val (NM_198977.2); c.1945A>G, p.Met649Val (NM_199002.2); short protein forms M634V, M601V, M649V.
Identifiers: ClinVar variation 1463111 (VCV001463111.6), dbSNP rs571974162, ClinGen allele CA308592350.
Genomic context (GRCh38, chr19:41,903,767, plus strand): 5'-AGGCTCAAGGACTATCAGCGGCGCCTGGACTTGTCCCACCTTCGGCAGAGCAGCGACCCT[A>G]TGCTGAGCGAGTTCAAGGTGTGACCATACCCTCCTGCCTCCCCCGCCCCCCTACTCCTTG-3'
Protein context (NP_004697.2, residues 624-644): LSHLRQSSDP[Met634Val]LSEFKNLDIT

ClinVar aggregate classification (germline): Uncertain significance (1 of 4 stars; one submission).

Allele frequency attached by ClinVar (database versions not stated): gnomAD 0.00001; 1000 Genomes Project 0.00020; 1000 Genomes Project 30x 0.00031.
gnomAD v4.1: 3 of 1,613,082 alleles (0.00019%); highest among the groups gnomAD compares: Admixed American, 0.0017%; no homozygotes.

Submission:

Labcorp Genetics (formerly Invitae), Labcorp
Classification: Uncertain significance. Last evaluated: 2022-08-09. Review status: criteria provided, single submitter. Criteria: Invitae Variant Classification Sherloc (09022015). Collection method: clinical testing. Allele origin: germline.
Comment: This sequence change replaces methionine, which is neutral and non-polar, with valine, which is neutral and non-polar, at codon 649 of the ARHGEF1 protein (p.Met649Val). This variant is not present in population databases (gnomAD no frequency). This variant has not been reported in the literature in individuals affected with ARHGEF1-related conditions. ClinVar contains an entry for this variant (Variation ID: 1463111). Algorithms developed to predict the effect of missense changes on protein structure and function are either unavailable or do not agree on the potential impact of this missense change (SIFT: "Deleterious"; PolyPhen-2: "Benign"; Align-GVGD: "Class C0"). In summary, the available evidence is currently insufficient to determine the role of this variant in disease. Therefore, it has been classified as a Variant of Uncertain Significance.